The following is an entry in ClinVar:

ClinVar aggregate classification (germline): Uncertain significance (1 of 4 stars; one submission).

Conditions:
Hereditary cancer-predisposing syndrome. Also called: Tumor predisposition; Neoplastic Syndromes, Hereditary; Hereditary neoplastic syndrome; Hereditary Cancer Syndrome. Identifiers: Orphanet 140162, MedGen C0027672, MeSH D009386, MONDO:0015356.

Submission:

Ambry Genetics
Classification: Uncertain significance for Hereditary cancer-predisposing syndrome. Last evaluated: 2025-08-27. Review status: criteria provided, single submitter. Criteria: Ambry Variant Classification Scheme 2023. Collection method: clinical testing. Allele origin: germline.
Comment: The p.P471Q variant (also known as c.1412C>A), located in coding exon 14 of the MUTYH gene, results from a C to A substitution at nucleotide position 1412. The proline at codon 471 is replaced by glutamine, an amino acid with similar properties. This amino acid position is conserved. In addition, the in silico prediction for this alteration is inconclusive. Based on the available evidence, the clinical significance of this variant remains unclear.

NM_001048174.2(MUTYH):c.1328C>A (p.Pro443Gln)

Gene: MUTYH (mutY DNA glycosylase; minus strand). Cytogenetic location: 1p34.1.
Variant type: single nucleotide variant.
Coding change: c.1328C>A on transcript NM_001048174.2 (MANE Select); coding-DNA position 1328, C replaced by A.
Protein change: p.Pro443Gln; replaces proline 443 with glutamine.
Molecular consequence: missense variant. On other transcripts: non-coding transcript variant (7).
Genome position (GRCh38, 1-based): chr1:45,331,246, G>T on the plus strand (C>A on the coding strand, the complement: MUTYH is on the minus strand). VCF-style: chr1-45331246-G-T. GRCh37 (hg19) VCF-style: chr1-45796918-G-T.
Other names: c.1370C>A, p.Pro457Gln (NM_001407083.1, NM_001407085.1); c.1331C>A, p.Pro444Gln (NM_001407086.1, NM_001407078.1, NM_001048172.2 and 1 more transcripts); c.1349C>A, p.Pro450Gln (NM_001407087.1); c.1328C>A, p.Pro443Gln (NM_001407088.1, NM_001407089.1, NM_001407081.1 and 6 more transcripts); c.1052C>A, p.Pro351Gln (NM_001407091.1, NM_001293192.2, NM_001293196.2); c.1403C>A, p.Pro468Gln (NM_012222.3); c.1289C>A, p.Pro430Gln (NM_001407079.1); c.1286C>A, p.Pro429Gln (NM_001407080.1); and 5 more; short protein forms P415Q, P454Q, P471Q, P430Q, P457Q, P458Q, P468Q, P328Q.
Identifiers: ClinVar variation 4113230 (VCV004113230.1).